The following is an entry in ClinVar:

ClinVar aggregate classification (germline): Uncertain significance. Review status: reviewed by expert panel (3 of 4 stars). 2 submissions from 2 submitters: Uncertain significance (1). 1 of the submissions does not count toward it. Last evaluated 2024-08-01.

Conditions:
Hereditary thrombocytopenia and hematological cancer predisposition syndrome associated with RUNX1. Also called: RUNX1 Familial Platelet Disorder with Associated Myeloid Malignancies; Familial Platelet Disorder with Propensity to Acute Myelogenous Leukemia; Familial thrombocytopenia with propensity to acute myelogenous leukemia; PLATELET DISORDER, ASPIRIN-LIKE. Identifiers: Orphanet 71290, MedGen C1832388, MeSH C563324, MONDO:0100083, OMIM 601399.
Hereditary thrombocytopenia and hematologic cancer predisposition syndrome. Identifiers: Orphanet 71290, MedGen CN281654, MONDO:0011071.

gnomAD v4.1: 2 of 1,549,254 alleles (0.00013%); highest among the groups gnomAD compares: Non-Finnish European, 0.00018%; no homozygotes.

Submissions (2):

ClinGen Myeloid Malignancy Variant Curation Expert Panel
Classification: Uncertain significance for Hereditary thrombocytopenia and hematologic cancer predisposition syndrome. Last evaluated: 2024-08-01. Review status: reviewed by expert panel. Criteria: ClinGen MyeloMalig ACMG Specifications v2. Collection method: curation. Allele origin: germline. Inheritance: Autosomal dominant inheritance.
Comment: NM_001754.5(RUNX1):c.97+1G>T is a splice donor variant which is only predicted to affect isoform c. This variant is completely absent from all population databases with at least 20x coverage for RUNX1 (gnomAD v2.1.1 and v3) (PM2_supporting). Variants disrupting this splice site have been reported in two probands with AML (PMID: 33075818). In summary, this variant meets the criteria to be classified as a variant of unknown significance. ACMG/AMP criteria applied, as specified by the Myeloid Malignancy Variant Curation Expert Panel for RUNX1: PM2_supporting.

Labcorp Genetics (formerly Invitae), Labcorp
Classification: Uncertain significance for Hereditary thrombocytopenia and hematological cancer predisposition syndrome associated with RUNX1. Last evaluated: 2022-06-16. Review status: criteria provided, single submitter. Criteria: Invitae Variant Classification Sherloc (09022015). Collection method: clinical testing. Allele origin: germline. Not counted in ClinVar's aggregate classification.
Comment: Disruption of this splice site has been observed in individual(s) with acute myeloid leukemia (PMID: 33075818). This variant is not present in population databases (gnomAD no frequency). This sequence change affects a donor splice site in intron 3 of the RUNX1 gene. However, it is currently unclear if variants that occur in this region of the gene cause disease. In summary, the available evidence is currently insufficient to determine the role of this variant in disease. Therefore, it has been classified as a Variant of Uncertain Significance. Algorithms developed to predict the effect of sequence changes on RNA splicing suggest that this variant may disrupt the consensus splice site.

Literature cited by the submitters: PubMed 33075818 (cited by Labcorp Genetics (formerly Invitae), Labcorp).

NM_001754.5(RUNX1):c.97+1G>T

Gene: RUNX1 (RUNX family transcription factor 1; minus strand). Cytogenetic location: 21q22.12.
Variant type: single nucleotide variant.
Coding change: c.97+1G>T on transcript NM_001754.5 (MANE Select); the canonical splice donor site of the intron after coding-DNA position 97, G replaced by T.
Molecular consequence: splice donor variant.
Genome position (GRCh38, 1-based): chr21:34,892,924, C>A on the plus strand (G>T on the coding strand, the complement: RUNX1 is on the minus strand). VCF-style: chr21-34892924-C-A. GRCh37 (hg19) VCF-style: chr21-36265221-C-A.
Identifiers: ClinVar variation 1471430 (VCV001471430.7), dbSNP rs375131372, ClinGen allele CA410205628.